The following is an entry in ClinVar:

ClinVar aggregate classification (germline): Pathogenic. Review status: criteria provided, multiple submitters, no conflicts (2 of 4 stars). 2 submissions from 2 submitters: Pathogenic (2). Last evaluated 2023-06-28.

Conditions:
Familial cancer of breast. Also called: Hereditary breast cancer; BREAST CANCER, FAMILIAL; hereditary breast carcinoma. Identifiers: Orphanet 227535, MedGen C0346153, MONDO:0016419, OMIM 114480. Disease mechanism: loss of function.

Submissions (2):

Myriad Genetics, Inc.
Classification: Pathogenic for Familial cancer of breast. Last evaluated: 2023-06-28. Review status: criteria provided, single submitter. Criteria: Myriad Autosomal Dominant, Autosomal Recessive and X-Linked Classification Criteria (2023). Collection method: clinical testing. Allele origin: unknown.
Comment: This variant is considered pathogenic. This variant creates a frameshift predicted to result in premature protein truncation.

Labcorp Genetics (formerly Invitae), Labcorp
Classification: Pathogenic for Familial cancer of breast. Last evaluated: 2022-04-29. Review status: criteria provided, single submitter. Criteria: Invitae Variant Classification Sherloc (09022015). Collection method: clinical testing. Allele origin: germline.
Comment: This variant is not present in population databases (gnomAD no frequency). For these reasons, this variant has been classified as Pathogenic. Algorithms developed to predict the effect of sequence changes on RNA splicing suggest that this variant may disrupt the consensus splice site. This variant has not been reported in the literature in individuals affected with CHEK2-related conditions. This sequence change creates a premature translational stop signal (p.Thr432Leufs*5) in the CHEK2 gene. It is expected to result in an absent or disrupted protein product. Loss-of-function variants in CHEK2 are known to be pathogenic (PMID: 21876083, 24713400).

Literature cited by the submitters: PubMed 21876083 (cited by Labcorp Genetics (formerly Invitae), Labcorp); PubMed 24713400 (cited by Labcorp Genetics (formerly Invitae), Labcorp).

NM_007194.4(CHEK2):c.1293del (p.Thr432fs)

Gene: CHEK2 (checkpoint kinase 2; minus strand). Cytogenetic location: 22q12.1.
Variant type: Deletion.
Coding change: c.1293del on transcript NM_007194.4 (MANE Select); coding-DNA position 1293, one base deleted (G; older notation c.1293delG).
Protein change: p.Thr432fs; shifts the reading frame from threonine 432.
Molecular consequence: frameshift variant.
Genome position (GRCh38, 1-based): chr22:28,695,209, C deleted on the plus strand (G on the coding strand, the reverse complement: CHEK2 is on the minus strand); the first of 2 consecutive C bases (chr22:28,695,209-28,695,210); deleting either gives the same sequence. VCF-style (leftmost placement, unchanged base first): chr22-28695208-TC-T. GRCh37 (hg19) VCF-style: chr22-29091196-TC-T.
Other names: c.1421delG, p.Thr475Leufs (NM_001005735.3); c.629delG, p.Thr211Leufs (NM_001257387.3); c.1091delG, p.Thr365Leufs (NM_001349956.3); c.1205delG, p.Thr403Leufs (NM_145862.3); short protein forms T211fs, T432fs, T475fs, T365fs, T403fs.
Identifiers: ClinVar variation 2131927 (VCV002131927.6), dbSNP rs2517797579, ClinGen allele CA2580099427.